The following is an entry in ClinVar:

ClinVar aggregate classification (germline): Uncertain significance (1 of 4 stars; one submission).

Conditions:
Cardiovascular phenotype. Identifiers: MedGen CN230736.

gnomAD v4.1: 59 of 1,607,082 alleles (0.0037%); highest among the groups gnomAD compares: Non-Finnish European, 0.0046%; no homozygotes.

Submission:

Ambry Genetics
Classification: Uncertain significance for Cardiovascular phenotype. Last evaluated: 2024-09-16. Review status: criteria provided, single submitter. Criteria: Ambry Variant Classification Scheme 2023. Collection method: clinical testing. Allele origin: germline.
Comment: The p.W534* variant (also known as c.1601G>A), located in coding exon 11 of the LMF1 gene, results from a G to A substitution at nucleotide position 1601. This changes the amino acid from a tryptophan to a stop codon within coding exon 11. This alteration occurs at the 3' terminus of theLMF1 gene, is not expected to trigger nonsense-mediated mRNAdecay, and only impacts the last 2% of the protein. The exact functional effect of this alteration is unknown. Based on the available evidence, the clinical significance of this variant remains unclear.

NM_022773.4(LMF1):c.1601G>A (p.Trp534Ter)

Gene: LMF1 (lipase maturation factor 1; minus strand). Cytogenetic location: 16p13.3.
Variant type: single nucleotide variant.
Coding change: c.1601G>A on transcript NM_022773.4 (MANE Select); coding-DNA position 1601, G replaced by A.
Protein change: p.Trp534Ter; replaces tryptophan 534 with a stop codon.
Molecular consequence: nonsense. On other transcripts: synonymous variant (1), non-coding transcript variant (1).
Genome position (GRCh38, 1-based): chr16:854,635, C>T on the plus strand (G>A on the coding strand, the complement: LMF1 is on the minus strand). VCF-style: chr16-854635-C-T. GRCh37 (hg19) VCF-style: chr16-904635-C-T.
Other names: c.950G>A, p.Trp317Ter (NM_001352017.2, NM_001352021.2); c.1202G>A, p.Trp401Ter (NM_001352018.2); c.1274G>A, p.Trp425Ter (NM_001352019.2); c.1521G>A, p.Val507= (NM_001352020.1); short protein forms W401*, W425*, W317*, W534*.
Identifiers: ClinVar variation 3538654 (VCV003538654.1).